The following is an entry in ClinVar:

ClinVar aggregate classification (germline): Uncertain significance. Review status: criteria provided, single submitter (1 of 4 stars). 2 submissions from 2 submitters: Uncertain significance (1). 1 of the submissions does not count toward it. Last evaluated 2026-02-20.

Conditions:
Bone marrow failure syndrome. Identifiers: MedGen C2931245, MONDO:0000159.

Submissions (2):

St. Jude Molecular Pathology, St. Jude Children's Research Hospital
Classification: Uncertain significance for Bone marrow failure syndrome. Last evaluated: 2026-02-20. Review status: criteria provided, single submitter. Criteria: St. Jude Assertion Criteria 2020. Collection method: clinical testing. Allele origin: germline.
Comment: The NPM1 c.479_481del p.(Ala160del) change deletes three nucleotides at position 479 to 481 resulting in an in-frame deletion of one amino acid at codon 160 in exon 6. This variant has a maximum subpopulation frequency of 0.013% in gnomAD v2.1.1. To our knowledge, this variant has not been reported in individuals dyskeratosis congenita. In summary, the evidence currently available is insufficient to determine the clinical significance of this variant. It has therefore been classified as of uncertain significance.

ITMI
No classification provided. Condition: AllHighlyPenetrant. Last evaluated: 2013-09-19. Review status: no classification provided. Collection method: reference population. Allele origin: germline. Not counted in ClinVar's aggregate classification.
Comment: Please see associated publication for description of ethnicities

Literature cited by the submitters: PubMed 24728327 (cited by ITMI).

NM_002520.7(NPM1):c.476CTG[1] (p.Ala160del)

Gene: NPM1 (nucleophosmin 1; plus strand). Cytogenetic location: 5q35.1.
Variant type: Microsatellite.
Coding change: c.476CTG[1] on transcript NM_002520.7 (MANE Select); one copy of the 3-base unit CTG starting at c.476; the reference has two copies in a row; one copy, 3 bases deleted; also written c.479_481del.
Protein change: p.Ala160del; deletes alanine 160.
Molecular consequence: inframe deletion.
Genome position (GRCh38, 1-based): chr5:171,392,933-171,392,935, CTG deleted; deleting any 3 consecutive bases within chr5:171,392,928-171,392,935 gives the same sequence; the position shown is the placement nearest the transcript's 3' end. VCF-style (leftmost placement, unchanged base first): chr5-171392927-TTGC-T. GRCh37 (hg19) VCF-style: chr5-170819931-TTGC-T.
Other names: c.476CTG[1], p.Ala160del (NM_001037738.3, NM_001355006.2, NM_001355009.2 and 1 more transcripts); c.284CTG[1], p.Ala96del (NM_001355007.2); c.182CTG[1], p.Ala62del (NM_001355010.2); c.479_481del (NM_002520.6); short protein forms A160del, A62del, A96del.
Identifiers: ClinVar variation 134990 (VCV000134990.2), dbSNP rs587778581, ClinGen allele CA161309.
Genomic context (GRCh38, chr5:171,392,927, plus strand): 5'-TGATAGAACAGCTCTTGTTCATGAGTACGTATCTTTTCTTTTAAAAGAAAAAAGTAAAAC[TTGC>T]TGCTGATGAAGATGATGACGATGATGATGAAGAGGATGATGATGAAGAGTAAGTATGATT-3'